The following is an entry in ClinVar:

NM_170606.3(KMT2C):c.12655C>G (p.Leu4219Val)

Gene: KMT2C (lysine methyltransferase 2C; minus strand). Cytogenetic location: 7q36.1.
Variant type: single nucleotide variant.
Coding change: c.12655C>G on transcript NM_170606.3 (MANE Select); coding-DNA position 12655, C replaced by G.
Protein change: p.Leu4219Val; replaces leucine 4219 with valine.
Molecular consequence: missense variant.
Genome position (GRCh38, 1-based): chr7:152,151,453, G>C on the plus strand (C>G on the coding strand, the complement: KMT2C is on the minus strand). VCF-style: chr7-152151453-G-C. GRCh37 (hg19) VCF-style: chr7-151848538-G-C.
Other names: c.12655C>G (NM_170606.2); short protein forms L4219V.
Identifiers: ClinVar variation 134811 (VCV000134811.44), dbSNP rs139111507, ClinGen allele CA160791.

ClinVar aggregate classification (germline): Benign/Likely benign. Review status: criteria provided, multiple submitters, no conflicts (2 of 4 stars). 7 submissions from 7 submitters: Benign (3); Likely benign (2). 2 of the submissions do not count toward it. Last evaluated 2026-09-01.

Conditions:
KMT2C-related disorder. Also called: KMT2C-related condition; KMT2C-related disorders.
Inborn genetic diseases. Identifiers: MedGen C0950123, MeSH D030342.

Allele frequency attached by ClinVar (database versions not stated): gnomAD 0.00272 and 0.00258; ESP Exome Variant Server 0.00354; TOPMed 0.00270.
gnomAD v4.1: 6,699 of 1,613,964 alleles (0.42%); highest among the groups gnomAD compares: Middle Eastern, 0.74%; 17 homozygotes.

Submissions (7):

CeGaT Center for Human Genetics Tuebingen
Classification: Benign. Last evaluated: 2026-09-01. Review status: criteria provided, single submitter. Criteria: CeGaT Center For Human Genetics Tuebingen Variant Classification Criteria Version 2. Collection method: clinical testing. Allele origin: germline. Affected: yes. Observed: 37 variant alleles.
Comment: KMT2C: BP4, BS1, BS2

Labcorp Genetics (formerly Invitae), Labcorp
Classification: Benign. Last evaluated: 2026-01-15. Review status: criteria provided, single submitter. Criteria: Invitae Variant Classification Sherloc (09022015). Collection method: clinical testing. Allele origin: germline.

Blueprint Genetics
Classification: Likely benign. Last evaluated: 2024-11-25. Review status: criteria provided, single submitter. Criteria: ACMG Guidelines, 2015. Collection method: clinical testing. Allele origin: germline.

Ambry Genetics
Classification: Likely benign for Inborn genetic diseases. Last evaluated: 2021-11-19. Review status: criteria provided, single submitter. Criteria: Ambry Variant Classification Scheme 2023. Collection method: clinical testing. Allele origin: germline.

Breakthrough Genomics
Classification: Benign. Review status: criteria provided, single submitter. Criteria: ACMG Guidelines, 2015. Collection method: not provided. Allele origin: germline. Inheritance: Autosomal dominant inheritance. Affected: yes.

PreventionGenetics, part of Exact Sciences
Classification: Benign for KMT2C-related condition. Last evaluated: 2019-07-10. Review status: no assertion criteria provided. Collection method: clinical testing. Allele origin: germline. Not counted in ClinVar's aggregate classification.
Comment: This variant is classified as benign based on ACMG/AMP sequence variant interpretation guidelines (Richards et al. 2015 PMID: 25741868, with internal and published modifications).

ITMI
No classification provided. Condition: AllHighlyPenetrant. Last evaluated: 2013-09-19. Review status: no classification provided. Collection method: reference population. Allele origin: germline. Not counted in ClinVar's aggregate classification.
Comment: Please see associated publication for description of ethnicities

Literature cited by the submitters: PubMed 24728327 (cited by ITMI).